The following is an entry in ClinVar:

ClinVar aggregate classification (germline): Pathogenic/Likely pathogenic. Review status: criteria provided, multiple submitters, no conflicts (2 of 4 stars). 2 submissions from 2 submitters: Pathogenic (1); Likely pathogenic (1). Last evaluated 2024-03-23.

Conditions:
ALG6-congenital disorder of glycosylation 1C (CDG1C). Also called: CDG Ic; Congenital disorder of glycosylation, type Ic; CARBOHYDRATE-DEFICIENT GLYCOPROTEIN SYNDROME, TYPE I, WITH DEFICIENT GLYCOSYLATION OF DOLICHOL-LINKED OLIGOSACCHARIDE; CARBOHYDRATE-DEFICIENT GLYCOPROTEIN SYNDROME, TYPE V; Congenital disorder of glycosylation type 1C. Identifiers: Orphanet 79320, MedGen C2930997, MONDO:0011291, OMIM 603147.

Submissions (2):

Fulgent Genetics
Classification: Likely pathogenic for ALG6-congenital disorder of glycosylation 1C. Last evaluated: 2024-03-23. Review status: criteria provided, single submitter. Criteria: ACMG Guidelines, 2015. Collection method: clinical testing. Allele origin: germline.

Labcorp Genetics (formerly Invitae), Labcorp
Classification: Pathogenic for ALG6-congenital disorder of glycosylation 1C. Last evaluated: 2021-08-11. Review status: criteria provided, single submitter. Criteria: Invitae Variant Classification Sherloc (09022015). Collection method: clinical testing. Allele origin: germline.
Comment: For these reasons, this variant has been classified as Pathogenic. This variant has not been reported in the literature in individuals affected with ALG6-related conditions. This variant is present in population databases (rs767943869, ExAC 0.001%). This sequence change creates a premature translational stop signal (p.Phe264Profs*3) in the ALG6 gene. It is expected to result in an absent or disrupted protein product. Loss-of-function variants in ALG6 are known to be pathogenic (PMID: 19862844).

Literature cited by the submitters: PubMed 19862844 (cited by Labcorp Genetics (formerly Invitae), Labcorp).

NM_013339.4(ALG6):c.789_790del (p.Phe264fs)

Gene: ALG6 (ALG6 alpha-1,3-glucosyltransferase; plus strand). Cytogenetic location: 1p31.3.
Variant type: Microsatellite.
Coding change: c.789_790del on transcript NM_013339.4 (MANE Select); coding-DNA positions 789 to 790, 2 bases deleted (CT; older notation c.789_790delCT).
Protein change: p.Phe264fs; shifts the reading frame from phenylalanine 264.
Molecular consequence: frameshift variant.
Genome position (GRCh38, 1-based): chr1:63,412,034-63,412,035, CT deleted; deleting any 2 consecutive bases within chr1:63,412,032-63,412,035 gives the same sequence; the c. name uses the placement nearest the transcript's 3' end. VCF-style (leftmost placement, unchanged base first): chr1-63412031-ACT-A. GRCh37 (hg19) VCF-style: chr1-63877702-ACT-A.
Other names: short protein forms F264fs.
Identifiers: ClinVar variation 1363248 (VCV001363248.7), dbSNP rs767943869, ClinGen allele CA888254.